The following is an entry in ClinVar:

ClinVar aggregate classification (germline): Uncertain significance (1 of 4 stars; one submission).

Conditions:
Dilated cardiomyopathy 1G (CMD1G). Identifiers: Orphanet 154, MedGen C1858763, MONDO:0011400, OMIM 604145.

gnomAD v4.1: 1 of 1,587,946 alleles (0.000063%); highest among the groups gnomAD compares: Non-Finnish European, 0.000086%; no homozygotes.

Submission:

Victorian Clinical Genetics Services, Murdoch Childrens Research Institute
Classification: Uncertain significance for Dilated cardiomyopathy 1G. Last evaluated: 2025-11-21. Review status: criteria provided, single submitter. Criteria: ACMG Guidelines, 2015. Collection method: clinical testing. Allele origin: germline. Affected: yes.
Comment: This variant is classified as VUS-3B. Evidence in support of pathogenic classification: Variant is present in gnomAD <0.01 (v4: 1 heterozygote(s), 0 homozygote(s)). Additional information: Variant is predicted to result in a missense amino acid change from Thr to Ile; This variant is heterozygous; This gene is associated with both recessive and dominant disease (OMIM); Alternative amino acid change(s) at the same position are present in gnomAD (highest allele count: v4: 2 heterozygote(s), 0 homozygote(s)); This variant has no previous evidence of pathogenicity; No published evidence of segregation with disease has been identified for this variant; No published functional evidence has been identified for this variant; Another missense variant(s) comparable to the one identified in this case has inconclusive previous evidence for pathogenicity. p.(Thr31909Asn) has been classified as a VUS by a clinical laboratory in ClinVar; Variant is located in the annotated A-band and the exon has a PSI score of 100% (PMID: 25589632); Missense variant with inconclusive in silico prediction and/or uninformative conservation; Loss of function is a known mechanism of disease in this gene. In addition, dominant negative is also a suggested mechanism. (PMID: 25589632); The condition associated with this gene has incomplete penetrance. Variants in this gene that result in a premature termination codon (PTC) are known to have reduced penetrance in DCM (PMID: 25589632); Inheritance information for this variant is not currently available in this individual.

Literature cited by the submitters: PubMed 25589632.

NM_001267550.2(TTN):c.95726C>T (p.Thr31909Ile)

Genes: TTN (titin; minus strand), TTN-AS1 (TTN antisense RNA 1; plus strand). Cytogenetic location: 2q31.2.
Variant type: single nucleotide variant.
Coding change: c.95726C>T on transcript NM_001267550.2 (MANE Select); coding-DNA position 95726, C replaced by T.
Protein change: p.Thr31909Ile; replaces threonine 31909 with isoleucine.
Molecular consequence: missense variant.
Genome position (GRCh38, 1-based): chr2:178,544,503, G>A on the plus strand (C>T on the coding strand, the complement: TTN is on the minus strand). VCF-style: chr2-178544503-G-A. GRCh37 (hg19) VCF-style: chr2-179409230-G-A.
Other names: c.90803C>T, p.Thr30268Ile (NM_001256850.1); c.68531C>T, p.Thr22844Ile (NM_003319.4); c.88022C>T, p.Thr29341Ile (NM_133378.4); c.68906C>T, p.Thr22969Ile (NM_133432.3); c.69107C>T, p.Thr23036Ile (NM_133437.4); short protein forms T22844I, T22969I, T23036I, T29341I, T30268I, T31909I.
Identifiers: ClinVar variation 4818976 (VCV004818976.1).